The following is an entry in ClinVar:

NM_138387.4(G6PC3):c.934T>A (p.Phe312Ile)

Gene: G6PC3 (glucose-6-phosphatase catalytic subunit 3; plus strand). Cytogenetic location: 17q21.31.
Variant type: single nucleotide variant.
Coding change: c.934T>A on transcript NM_138387.4 (MANE Select); coding-DNA position 934, T replaced by A.
Protein change: p.Phe312Ile; replaces phenylalanine 312 with isoleucine.
Molecular consequence: missense variant. On other transcripts: 3 prime UTR variant (1).
Genome position (GRCh38, 1-based): chr17:44,075,936, T>A. VCF-style: chr17-44075936-T-A. GRCh37 (hg19) VCF-style: chr17-42153304-T-A.
Other names: c.*227T>A (NM_001319945.2); c.589T>A, p.Phe197Ile (NM_001384165.1, NM_001384166.1, NM_001384167.1 and 1 more transcripts); short protein forms F312I, F197I.
Identifiers: ClinVar variation 4620528 (VCV004620528.1).

ClinVar aggregate classification (germline): Uncertain significance (1 of 4 stars; one submission).

Conditions:
Inborn genetic diseases. Identifiers: MedGen C0950123, MeSH D030342.

Submission:

Ambry Genetics
Classification: Uncertain significance for Inborn genetic diseases. Last evaluated: 2025-12-04. Review status: criteria provided, single submitter. Criteria: Ambry Variant Classification Scheme 2023. Collection method: clinical testing. Allele origin: germline.
Comment: The p.F312I variant (also known as c.934T>A), located in coding exon 6 of the G6PC3 gene, results from a T to A substitution at nucleotide position 934. The phenylalanine at codon 312 is replaced by isoleucine, an amino acid with highly similar properties. This amino acid position is conserved. In addition, this alteration is predicted to be tolerated by in silico analysis. Based on the available evidence, the clinical significance of this variant remains unclear.